The following is an entry in ClinVar:

NM_022726.4(ELOVL4):c.34C>G (p.Leu12Val)

Gene: ELOVL4 (ELOVL fatty acid elongase 4; minus strand). Cytogenetic location: 6q14.1.
Variant type: single nucleotide variant.
Coding change: c.34C>G on transcript NM_022726.4 (MANE Select); coding-DNA position 34, C replaced by G.
Protein change: p.Leu12Val; replaces leucine 12 with valine.
Molecular consequence: missense variant.
Genome position (GRCh38, 1-based): chr6:79,947,246, G>C on the plus strand (C>G on the coding strand, the complement: ELOVL4 is on the minus strand). VCF-style: chr6-79947246-G-C. GRCh37 (hg19) VCF-style: chr6-80656963-G-C.
Other names: short protein forms L12V.
Identifiers: ClinVar variation 4730647 (VCV004730647.1).

ClinVar aggregate classification (germline): Uncertain significance (1 of 4 stars; one submission).

Submission:

Labcorp Genetics (formerly Invitae), Labcorp
Classification: Uncertain significance. Last evaluated: 2025-11-11. Review status: criteria provided, single submitter. Criteria: Invitae Variant Classification Sherloc (09022015). Collection method: clinical testing. Allele origin: germline.
Comment: This sequence change replaces leucine, which is neutral and non-polar, with valine, which is neutral and non-polar, at codon 12 of the ELOVL4 protein (p.Leu12Val). This variant is not present in population databases (gnomAD no frequency). This variant has not been reported in the literature in individuals affected with ELOVL4-related conditions. An algorithm developed to predict the effect of missense changes on protein structure and function (PolyPhen-2) suggests that this variant is likely to be tolerated. In summary, the available evidence is currently insufficient to determine the role of this variant in disease. Therefore, it has been classified as a Variant of Uncertain Significance.